The following is an entry in ClinVar:

ClinVar aggregate classification (germline): Uncertain significance (1 of 4 stars; one submission).

Conditions:
Bethlem myopathy 1A. Also called: Bethlem myopathy 1; MYOPATHY, BENIGN CONGENITAL, WITH CONTRACTURES; Bethlem Muscular Dystrophy. Identifiers: Orphanet 610, MedGen CN029274, MONDO:0024530, OMIM 158810.

gnomAD v4.1: 3 of 1,613,984 alleles (0.00019%); highest among the groups gnomAD compares: African/African-American, 0.004%; no homozygotes.

Submission:

Labcorp Genetics (formerly Invitae), Labcorp
Classification: Uncertain significance for Bethlem myopathy 1A. Last evaluated: 2024-06-09. Review status: criteria provided, single submitter. Criteria: Invitae Variant Classification Sherloc (09022015). Collection method: clinical testing. Allele origin: germline.
Comment: This sequence change replaces asparagine, which is neutral and polar, with aspartic acid, which is acidic and polar, at codon 2805 of the COL6A3 protein (p.Asn2805Asp). The frequency data for this variant in the population databases is considered unreliable, as metrics indicate poor data quality at this position in the gnomAD database. This variant has not been reported in the literature in individuals affected with COL6A3-related conditions. Advanced modeling of protein sequence and biophysical properties (such as structural, functional, and spatial information, amino acid conservation, physicochemical variation, residue mobility, and thermodynamic stability) performed at Invitae indicates that this missense variant is not expected to disrupt COL6A3 protein function with a negative predictive value of 80%. In summary, the available evidence is currently insufficient to determine the role of this variant in disease. Therefore, it has been classified as a Variant of Uncertain Significance.

NM_004369.4(COL6A3):c.8413A>G (p.Asn2805Asp)

Gene: COL6A3 (collagen type VI alpha 3 chain; minus strand). Cytogenetic location: 2q37.3.
Variant type: single nucleotide variant.
Coding change: c.8413A>G on transcript NM_004369.4 (MANE Select); coding-DNA position 8413, A replaced by G.
Protein change: p.Asn2805Asp; replaces asparagine 2805 with aspartic acid.
Molecular consequence: missense variant.
Genome position (GRCh38, 1-based): chr2:237,340,503, T>C on the plus strand (A>G on the coding strand, the complement: COL6A3 is on the minus strand). VCF-style: chr2-237340503-T-C. GRCh37 (hg19) VCF-style: chr2-238249146-T-C.
Other names: c.6592A>G, p.Asn2198Asp (NM_057166.5); c.7795A>G, p.Asn2599Asp (NM_057167.4); short protein forms N2198D, N2599D, N2805D.
Identifiers: ClinVar variation 3626308 (VCV003626308.2).
Genomic context (GRCh38, chr2:237,340,503, plus strand): 5'-AGGACTTACTGCTGACGAAGGATGGCAACAGCCTCCCGAAGCGCATCAAAGGCTCCTCGT[T>C]GAGCTCGGTGGACTTGTCCACTAATTTGAAGAAGACGTCGTTTGGCTCACTGGCGAAGGT-3'
Protein context (NP_004360.2, residues 2795-2815): FKLVDKSTEL[Asn2805Asp]EEPLMRFGRL